The following is an entry in ClinVar:

NM_000316.3(PTH1R):c.266C>G (p.Pro89Arg)

Gene: PTH1R (parathyroid hormone 1 receptor; plus strand). Cytogenetic location: 3p21.31.
Variant type: single nucleotide variant.
Coding change: c.266C>G on transcript NM_000316.3 (MANE Select); coding-DNA position 266, C replaced by G.
Protein change: p.Pro89Arg; replaces proline 89 with arginine.
Molecular consequence: missense variant.
Genome position (GRCh38, 1-based): chr3:46,895,822, C>G. VCF-style: chr3-46895822-C-G. GRCh37 (hg19) VCF-style: chr3-46937312-C-G.
Other names: c.266C>G (NM_000316.2); c.266C>G, p.Pro89Arg (NM_001184744.1); short protein forms P89R.
Identifiers: ClinVar variation 2892698 (VCV002892698.5), dbSNP rs773342944, ClinGen allele CA2359131.
Genomic context (GRCh38, chr3:46,895,822, plus strand): 5'-GGACATCTGCGTCCACATCAGGGAAGCCCAGGAAAGATAAGGCATCTGGGAAGCTCTACC[C>G]TGAGTCTGAGGAGGACAAGGAGGCACCCACTGGCAGCAGGTACCGAGGTACGTCTCTGCT-3'
Protein context (NP_000307.1, residues 79-99): RKDKASGKLY[Pro89Arg]ESEEDKEAPT

ClinVar aggregate classification (germline): Uncertain significance. Review status: criteria provided, multiple submitters, no conflicts (2 of 4 stars). 3 submissions from 3 submitters: Uncertain significance (3). Last evaluated 2025-12-04.

Conditions:
Inborn genetic diseases. Identifiers: MedGen C0950123, MeSH D030342.

Allele frequency attached by ClinVar (database versions not stated): gnomAD 0.00001; ExAC 0.00002.
gnomAD v4.1: 12 of 1,613,914 alleles (0.00074%); highest among the groups gnomAD compares: Middle Eastern, 0.017%; no homozygotes.

Submissions (3):

Ambry Genetics
Classification: Uncertain significance for Inborn genetic diseases. Last evaluated: 2025-12-04. Review status: criteria provided, single submitter. Criteria: Ambry Variant Classification Scheme 2023. Collection method: clinical testing. Allele origin: germline.

GeneDx
Classification: Uncertain significance. Last evaluated: 2025-07-14. Review status: criteria provided, single submitter. Criteria: GeneDx Variant Classification Process June 2021. Collection method: clinical testing. Allele origin: germline. Affected: yes.
Comment: In silico analysis suggests that this missense variant does not alter protein structure/function; Has not been previously published as pathogenic or benign to our knowledge

Labcorp Genetics (formerly Invitae), Labcorp
Classification: Uncertain significance. Last evaluated: 2023-11-22. Review status: criteria provided, single submitter. Criteria: Invitae Variant Classification Sherloc (09022015). Collection method: clinical testing. Allele origin: germline.
Comment: This sequence change replaces proline, which is neutral and non-polar, with arginine, which is basic and polar, at codon 89 of the PTH1R protein (p.Pro89Arg). This variant is present in population databases (rs773342944, gnomAD 0.006%). This variant has not been reported in the literature in individuals affected with PTH1R-related conditions. An algorithm developed to predict the effect of missense changes on protein structure and function (PolyPhen-2) suggests that this variant is likely to be tolerated. In summary, the available evidence is currently insufficient to determine the role of this variant in disease. Therefore, it has been classified as a Variant of Uncertain Significance.